The following is an entry in ClinVar:

ClinVar aggregate classification (germline): Likely pathogenic (1 of 4 stars; one submission).

Submission:

GeneDx
Classification: Likely pathogenic. Last evaluated: 2024-12-16. Review status: criteria provided, single submitter. Criteria: GeneDx Variant Classification Process June 2021. Collection method: clinical testing. Allele origin: germline.
Comment: Not observed at significant frequency in large population cohorts (gnomAD); In silico analysis supports that this missense variant has a deleterious effect on protein structure/function; Has not been previously published as pathogenic or benign to our knowledge

NM_017649.5(CNNM2):c.814T>G (p.Phe272Val)

Gene: CNNM2 (cyclin and CBS domain divalent metal cation transport mediator 2; plus strand). Cytogenetic location: 10q24.32.
Variant type: single nucleotide variant.
Coding change: c.814T>G on transcript NM_017649.5 (MANE Select); coding-DNA position 814, T replaced by G.
Protein change: p.Phe272Val; replaces phenylalanine 272 with valine.
Molecular consequence: missense variant.
Genome position (GRCh38, 1-based): chr10:102,919,294, T>G. VCF-style: chr10-102919294-T-G. GRCh37 (hg19) VCF-style: chr10-104679051-T-G.
Other names: c.814T>G, p.Phe272Val (NM_199076.3, NM_199077.3); short protein forms F272V.
Identifiers: ClinVar variation 2576956 (VCV002576956.2), dbSNP rs2493375229, ClinGen allele CA377957965.
Genomic context (GRCh38, chr10:102,919,294, plus strand): 5'-CTGCTGCCCTTCTGGCTGCAGGTGATCTTCATTTCGCTGCTGCTGTGCCTGTCGGGCATG[T>G]TCAGCGGCCTCAACCTGGGGCTCATGGCCCTGGACCCGATGGAGCTGCGCATCGTGCAGA-3'
Protein context (NP_060119.3, residues 262-282): ISLLLCLSGM[Phe272Val]SGLNLGLMAL